The following is an entry in ClinVar:

NM_000261.2(MYOC):c.1020G>A (p.Glu340=)

Gene: MYOC (myocilin; minus strand). Cytogenetic location: 1q24.3.
Variant type: single nucleotide variant.
Coding change: c.1020G>A on transcript NM_000261.2 (MANE Select); coding-DNA position 1020, G replaced by A.
Protein change: p.Glu340=; no amino-acid change (glutamic acid 340 retained).
Molecular consequence: synonymous variant.
Genome position (GRCh38, 1-based): chr1:171,636,420, C>T on the plus strand (G>A on the coding strand, the complement: MYOC is on the minus strand). VCF-style: chr1-171636420-C-T. GRCh37 (hg19) VCF-style: chr1-171605560-C-T.
Other names: NM_000261.2:c.1020G>A.
Identifiers: ClinVar variation 2498111 (VCV002498111.2), dbSNP rs534806873, ClinGen allele CA1244094.

ClinVar aggregate classification (germline): Likely benign (3 of 4 stars; one submission).

Conditions:
Open-angle glaucoma. Identifiers: MedGen C0017612, MONDO:0005338, HP:0012108.

Allele frequency attached by ClinVar (database versions not stated): gnomAD exomes below 0.00001; 1000 Genomes Project 0.00020; ExAC 0.00002; gnomAD 0.00006; TOPMed 0.00008; 1000 Genomes Project 30x 0.00016.
gnomAD v4.1: 18 of 1,614,148 alleles (0.0011%); highest among the groups gnomAD compares: African/African-American, 0.015%; no homozygotes.

Submission:

ClinGen Glaucoma Variant Curation Expert Panel
Classification: Likely benign for Open-angle glaucoma. Last evaluated: 2026-01-20. Review status: reviewed by expert panel. Criteria: ClinGen Glaucoma ACMG Specifications V2.0.0 Approved. Collection method: curation. Allele origin: germline. Inheritance: Autosomal dominant inheritance.
Comment: The c.1020G>A variant in MYOC is a synonymous variant (p.Glu340=). The highest minor allele frequency of this variant was in the African/African American genetic ancestry group of gnomAD (v4.1.0) = 0.0001466 (11 alleles out of 75,030), which did not meet the PM2_Supporting allele frequency threshold (≤ 0.0001) or the BS1 allele frequency threshold (≥ 0.001). The SpliceAI score = 0, which met the ≤ 0.1 threshold for BP4, suggesting that the variant does not impact MYOC function. This synonymous variant meets BP4, so BP7 is met. There was no functional evidence predicting a damaging or benign impact of this variant on MYOC function. Although probands with juvenile or primary open angle glaucoma have been reported carrying this variant, PM2_Supporting was not met, therefore PS4 did not apply. In summary, this variant met the criteria to receive a score of -2 and to be classified as likely benign (likely benign classification range -2 to -6, adapted from PMID: 32720330) for primary open angle glaucoma based on the ACMG/AMP criteria met, as specified by the ClinGen Glaucoma VCEP (v2.0.0, 5 Dec 2024): BP4, BP7.